The following is an entry in ClinVar:

ClinVar aggregate classification (germline): Likely pathogenic (1 of 4 stars; one submission).

Submission:

Labcorp Genetics (formerly Invitae), Labcorp
Classification: Likely pathogenic. Last evaluated: 2023-09-21. Review status: criteria provided, single submitter. Criteria: Invitae Variant Classification Sherloc (09022015). Collection method: clinical testing. Allele origin: germline.
Comment: ClinVar contains an entry for this variant (Variation ID: 1978486). This variant has not been reported in the literature in individuals affected with VPS13A-related conditions. This variant is not present in population databases (gnomAD no frequency). This sequence change affects a donor splice site in intron 10 of the VPS13A gene. It is expected to disrupt RNA splicing. Variants that disrupt the donor or acceptor splice site typically lead to a loss of protein function (PMID: 16199547), and loss-of-function variants in VPS13A are known to be pathogenic (PMID: 12404112, 21598378). Algorithms developed to predict the effect of sequence changes on RNA splicing suggest that this variant may disrupt the consensus splice site. In summary, the currently available evidence indicates that the variant is pathogenic, but additional data are needed to prove that conclusively. Therefore, this variant has been classified as Likely Pathogenic.

Literature cited by the submitters: PubMed 16199547; PubMed 12404112; PubMed 21598378.

NM_033305.3(VPS13A):c.754+1G>T

Gene: VPS13A (vacuolar protein sorting 13 homolog A; plus strand). Cytogenetic location: 9q21.2.
Variant type: single nucleotide variant.
Coding change: c.754+1G>T on transcript NM_033305.3 (MANE Select); the canonical splice donor site of the intron after coding-DNA position 754, G replaced by T.
Molecular consequence: splice donor variant.
Genome position (GRCh38, 1-based): chr9:77,214,387, G>T. VCF-style: chr9-77214387-G-T. GRCh37 (hg19) VCF-style: chr9-79829303-G-T.
Other names: c.754+1G>T (NM_001018037.2, NM_015186.4, NM_001018038.3).
Identifiers: ClinVar variation 1978486 (VCV001978486.4), dbSNP rs1290271608, ClinGen allele CA373843004.